The following is an entry in ClinVar:

NM_018062.4(FANCL):c.1007_1009del (p.Ile336_Cys337delinsSer)

Gene: FANCL (FA complementation group L; minus strand). Cytogenetic location: 2p16.1.
Variant type: Deletion.
Coding change: c.1007_1009del on transcript NM_018062.4 (MANE Select); coding-DNA positions 1007 to 1009, 3 bases deleted (TAT; older notation c.1007_1009delTAT).
Protein change: p.Ile336_Cys337delinsSer.
Molecular consequence: inframe indel.
Genome position (GRCh38, 1-based): chr2:58,161,533-58,161,535, ATA deleted on the plus strand (TAT on the coding strand, the reverse complement: FANCL is on the minus strand). VCF-style (leftmost placement, unchanged base first): chr2-58161532-CATA-C. GRCh37 (hg19) VCF-style: chr2-58388667-CATA-C.
Other names: c.1022_1024delTAT, p.Ile341_Cys342delinsSer (NM_001114636.2); c.1052_1054del, p.Ile351_Cys352delinsSer (NM_001374615.1); c.1067_1069del, p.Ile356_Cys357delinsSer (NM_001410792.1); c.1022_1024delTAT (NM_001114636.1); c.1007_1009delTAT (NM_018062.4).
Identifiers: ClinVar variation 241247 (VCV000241247.80), dbSNP rs747253294, ClinGen allele CA1670358.

ClinVar aggregate classification (germline): Conflicting classifications of pathogenicity. Review status: criteria provided, conflicting classifications (1 of 4 stars). 19 submissions from 19 submitters: Pathogenic (3); Likely pathogenic (9); Uncertain significance (4). 3 of the submissions do not count toward it. Last evaluated 2026-04-02.

Conditions:
Fanconi anemia complementation group L (FANCL). Also called: FANCL-Related Fanconi Anemia. Identifiers: Orphanet 84, MedGen C3469528, MONDO:0013566, OMIM 614083.
FANCL-related disorder. Also called: FANCL-related condition.
Fanconi anemia (FA). Also called: Fanconi's anemia. Identifiers: Orphanet 84, MedGen C0015625, MeSH D005199, MONDO:0019391.
FANCL-related disorders.
Premature menopause. Identifiers: MedGen C0025322, MONDO:0001119.

Allele frequency attached by ClinVar (database versions not stated): gnomAD 0.00033 and 0.00034; gnomAD exomes 0.00055 and 0.00031; ExAC 0.00026; ESP Exome Variant Server 0.00048; TOPMed 0.00030.

Submissions 1 to 8 of 19:

Dasa
Classification: Pathogenic. Last evaluated: 2026-04-02. Review status: criteria provided, single submitter. Criteria: DASA Assertion Criteria. Collection method: clinical testing. Allele origin: germline.
Comment: NM_018062.4(FANCL):c.1007_1009del (p.Ile336_Cys337delinsSer) is an in-frame insertion/deletion-insertion predicted to alter the protein sequence without shifting the reading frame. This variant has been recurrently observed in individuals with FANCL-related disorders (PMID: 19405097; PMID: 23613520; PMID: 25239263; PMID: 28104920). Functional evidence supports an impact on the gene or gene product. Also, this variant is rare in population databases. Based on the currently available evidence, this variant is classified as pathogenic.

Labcorp Genetics (formerly Invitae), Labcorp
Classification: Uncertain significance for Fanconi anemia. Last evaluated: 2026-01-29. Review status: criteria provided, single submitter. Criteria: Invitae Variant Classification Sherloc (09022015). Collection method: clinical testing. Allele origin: germline.
Comment: This variant, c.1007_1009del, is a complex sequence change that results in the deletion of 2 and insertion of 1 amino acid(s) in the FANCL protein (p.Ile336_Cys337delinsSer). This variant is present in population databases (rs747253294, gnomAD 0.06%). This variant has been observed in individual(s) with Fanconi anemia and/or osteosarcoma, Fanconi anemia and bone marrow failure syndromes, hepatopancreaticobiliary tumors (PMID: 19405097, 23613520, 28104920, 32191290, 34308104, 35988656). In at least one individual the data is consistent with being in trans (on the opposite chromosome) from a pathogenic variant. ClinVar contains an entry for this variant (Variation ID: 241247). Algorithms developed to predict the effect of variants on gene product structure and function are not available or were not evaluated for this variant. Experimental studies have shown that this variant affects FANCL function (PMID: 19405097). In summary, the available evidence is currently insufficient to determine the role of this variant in disease. Therefore, it has been classified as a Variant of Uncertain Significance.

CeGaT Center for Human Genetics Tuebingen
Classification: Likely pathogenic. Last evaluated: 2025-11-01. Review status: criteria provided, single submitter. Criteria: CeGaT Center For Human Genetics Tuebingen Variant Classification Criteria Version 2. Collection method: clinical testing. Allele origin: germline. Affected: yes. Observed: 3 variant alleles.
Comment: FANCL: PM3, PS3:Moderate, PM2:Supporting, PM4:Supporting

Women's Health and Genetics/Laboratory Corporation of America, LabCorp
Classification: Uncertain significance. Last evaluated: 2025-08-12. Review status: criteria provided, single submitter. Criteria: LabCorp Variant Classification Summary - May 2015. Collection method: clinical testing. Allele origin: germline.
Comment: Variant summary: FANCL c.1007_1009delTAT (p.Ile336_Cys337delinsSer) results in an in-frame deletion that is predicted to delete an isoleucine and cysteine and replace with a serine. The variant allele was found at a frequency of 0.00031 in 250564 control chromosomes (gnomAD), predominantly at a frequency of 0.00062 within the Non-Finnish European subpopulation in the gnomAD database. The observed variant frequency within Non-Finnish European control individuals in the gnomAD database is approximately 2 fold of the estimated maximal expected allele frequency for a pathogenic variant in FANCL causing Fanconi Anemia (0.00028), suggesting that the variant may be a benign polymorphism found primarily in populations of Non-Finnish European origin. c.1007_1009delTAT has been reported in the literature as a biallelic genotype in individuals affected with Fanconi Anemia (e.g. Ali_2009, Chandrasekharappa_2013, Raghunandan_2015). The variant was also found in the heterozygous state in individuals affected with breast/ovarian cancer (Maxwell_2016) and bone marrow failure (Guidugli_2017). These data indicate that the variant may be associated with disease. A complementation assay using a FANCL deficient cell line showed that when the variant was overexpressed in this deficient cell line, there was no recovery of FANCL activity, indicating a total loss of function (Ali_2009). The following publications have been ascertained in the context of this evaluation (PMID: 23613520, 27153395, 31980526, 19405097, 28104920, 25659033). ClinVar contains an entry for this variant (Variation ID: 241247). Based on the evidence outlined above, the variant was classified as uncertain significance.

Baylor Genetics
Classification: Likely pathogenic for Fanconi anemia complementation group L. Last evaluated: 2025-05-13. Review status: criteria provided, single submitter. Criteria: ACMG Guidelines, 2015. Collection method: clinical testing. Allele origin: unknown.
Comment: This variant has been previously reported in conjunction with another variant in individuals with features of Fanconi anemia (PMID: 19405097, 23613520, 25239263). It has also been reported in conjunction with another variant in an individual with inherited bone marrow failure (PMID: 28104920). Additionally, this variant has been described in individuals with various cancers (PMID: 29641532, 32191290, 33332384, 34308104, 35988656, 36119527, 36773602) as well as in individuals with hematological malignancies or abnormalities (PMID: 33332384, 29891941, 28104920). Experimental studies demonstrated that this variant impact the protein function (PMID: 19405097, 25659033).

Center for Genomic Medicine, Rigshospitalet, Copenhagen University Hospital
Classification: Likely pathogenic. Last evaluated: 2025-03-04. Review status: criteria provided, single submitter. Criteria: ACMG Guidelines, 2015. Collection method: clinical testing. Allele origin: germline.
Comment: Classification criteria: PM2_Supporting, PM3, PS3

Blueprint Genetics
Classification: Likely pathogenic for FANCL-related disorders. Last evaluated: 2024-10-17. Review status: criteria provided, single submitter. Criteria: ACMG Guidelines, 2015. Collection method: clinical testing. Allele origin: germline. Affected: yes. Observed: 5 variant alleles.

GeneDx
Classification: Likely pathogenic. Last evaluated: 2024-01-27. Review status: criteria provided, single submitter. Criteria: GeneDx Variant Classification Process June 2021. Collection method: clinical testing. Allele origin: germline. Affected: yes.
Comment: Reported as compound heterozygous with a frameshift variant in a child who was diagnosed with Fanconi anemia on the basis of a complementation assay who presented with slow growth, poor feeding, irritability, mildly delayed myelination on MRI, ADHD, a single cafe-au-lait spot, mild hypocellularity, and a family history of leukemia but no other features associated with Fanconi anemia (PMID: 19405097); Observed as compound heterozygous with a deep intronic variant which was predicted to result in abberant splicing in a sample from the International Fanconi anemia registry (PMID: 23613520); Published functional studies demonstrate a damaging effect: studies in EUFA868 cells showed this allele resulted in substantial G2/M arrest, lack of FANCD2 monoubiquitination, increased sensitivity to mitomycin C, and a high rate of chromosome breakage (PMID: 19405097); In silico analysis supports a deleterious effect on protein structure/function; In-frame deletion of two amino acids and insertion of one incorrect amino acid in a non-repeat region; This variant is associated with the following publications: (PMID: 25659033, 19405097, 34308104, 28104920, 31980526, 27153395, 25239263, 23613520)